The following is an entry in ClinVar:

ClinVar aggregate classification (germline): Conflicting classifications of pathogenicity. Review status: criteria provided, conflicting classifications (1 of 4 stars). 9 submissions from 5 submitters: Uncertain significance (3); Likely benign (6). Last evaluated 2025-10-08.

Conditions:
Myopathy, myofibrillar, 9, with early respiratory failure (MFM9). Also called: Hereditary myopathy with early respiratory failure; Myopathy, distal, with early respiratory failure, autosomal dominant; EDSTROM MYOPATHY; MYOPATHY, PROXIMAL, WITH EARLY RESPIRATORY MUSCLE INVOLVEMENT. Identifiers: Orphanet 178464, Orphanet 34521, MedGen C1863599, MONDO:0011362, OMIM 603689.
Autosomal recessive limb-girdle muscular dystrophy type 2J (LGMDR10). Also called: Limb-girdle muscular dystrophy, type 2J; MUSCULAR DYSTROPHY, LIMB-GIRDLE, AUTOSOMAL RECESSIVE 10. Identifiers: Orphanet 140922, MedGen C1837342, MONDO:0012127, OMIM 608807.
Cardiovascular phenotype. Identifiers: MedGen CN230736.
Dilated cardiomyopathy 1G (CMD1G). Identifiers: Orphanet 154, MedGen C1858763, MONDO:0011400, OMIM 604145.
Early-onset myopathy with fatal cardiomyopathy (CMYO5). Also called: Salih Myopathy; CONGENITAL MYOPATHY 5 WITH CARDIOMYOPATHY. Identifiers: Orphanet 289377, MedGen C2673677, MONDO:0012714, OMIM 611705. Disease mechanism: loss of function.
Tibial muscular dystrophy (TMD). Also called: Tibial muscular dystrophy, tardive; UDD MYOPATHY; Udd Distal Myopathy – Tibial Muscular Dystrophy. Identifiers: Orphanet 609, MedGen C1838244, MONDO:0010870, OMIM 600334.

Allele frequency attached by ClinVar (database versions not stated): gnomAD 0.00002; gnomAD exomes 0.00002 and 0.00003; TOPMed 0.00002; ExAC 0.00005.
gnomAD v4.1: 30 of 1,614,058 alleles (0.0019%); highest among the groups gnomAD compares: Non-Finnish European, 0.0025%; no homozygotes.

Submissions (9):

Labcorp Genetics (formerly Invitae), Labcorp
Classification: Likely benign for Dilated cardiomyopathy 1G; Autosomal recessive limb-girdle muscular dystrophy type 2J. Last evaluated: 2025-10-08. Review status: criteria provided, single submitter. Criteria: Invitae Variant Classification Sherloc (09022015). Collection method: clinical testing. Allele origin: germline.

Molecular Diagnostic Laboratory for Inherited Cardiovascular Disease, Montreal Heart Institute
Classification: Likely benign. Last evaluated: 2025-04-09. Review status: criteria provided, single submitter. Criteria: ACMG Guidelines, 2015. Collection method: clinical testing. Allele origin: germline. Affected: no.

Blueprint Genetics
Classification: Likely benign. Last evaluated: 2024-10-09. Review status: criteria provided, single submitter. Criteria: ACMG Guidelines, 2015. Collection method: clinical testing. Allele origin: germline.

Ambry Genetics
Classification: Likely benign for Cardiovascular phenotype. Last evaluated: 2019-05-24. Review status: criteria provided, single submitter. Criteria: Ambry Variant Classification Scheme 2023. Collection method: clinical testing. Allele origin: germline.

Illumina Laboratory Services, Illumina
Classification: Uncertain significance for Dilated cardiomyopathy 1G. Last evaluated: 2018-01-12. Review status: criteria provided, single submitter. Criteria: ICSL Variant Classification Criteria 13 December 2019. Collection method: clinical testing. Allele origin: germline.

Illumina Laboratory Services, Illumina
Classification: Likely benign for Tibial muscular dystrophy. Last evaluated: 2018-01-12. Review status: criteria provided, single submitter. Criteria: ICSL Variant Classification Criteria 13 December 2019. Collection method: clinical testing. Allele origin: germline.
Comment: This variant was observed in the ICSL laboratory as part of a predisposition screen in an ostensibly healthy population. It had not been previously curated by ICSL or reported in the Human Gene Mutation Database (HGMD: prior to June 1st, 2018), and was therefore a candidate for classification through an automated scoring system. Utilizing variant allele frequency, disease prevalence and penetrance estimates, and inheritance mode, an automated score was calculated to assess if this variant is too frequent to cause the disease. Based on the score and internal cut-off values, a variant classified as likely benign is not then subjected to further curation. The score for this variant resulted in a classification of likely benign for this disease.

Illumina Laboratory Services, Illumina
Classification: Likely benign for Myopathy, myofibrillar, 9, with early respiratory failure. Last evaluated: 2018-01-12. Review status: criteria provided, single submitter. Criteria: ICSL Variant Classification Criteria 13 December 2019. Collection method: clinical testing. Allele origin: germline.
Comment: the same text as in the submission from Illumina Laboratory Services, Illumina above.

Illumina Laboratory Services, Illumina
Classification: Uncertain significance for Early-onset myopathy with fatal cardiomyopathy. Last evaluated: 2018-01-12. Review status: criteria provided, single submitter. Criteria: ICSL Variant Classification Criteria 13 December 2019. Collection method: clinical testing. Allele origin: germline.

Illumina Laboratory Services, Illumina
Classification: Uncertain significance for Autosomal recessive limb-girdle muscular dystrophy type 2J. Last evaluated: 2018-01-12. Review status: criteria provided, single submitter. Criteria: ICSL Variant Classification Criteria 13 December 2019. Collection method: clinical testing. Allele origin: germline.

NM_001267550.2(TTN):c.9267G>A (p.Gln3089=)

Gene: TTN (titin; minus strand). Cytogenetic location: 2q31.2.
Variant type: single nucleotide variant.
Coding change: c.9267G>A on transcript NM_001267550.2 (MANE Select); coding-DNA position 9267, G replaced by A.
Protein change: p.Gln3089=; no amino-acid change (glutamine 3089 retained).
Molecular consequence: synonymous variant.
Genome position (GRCh38, 1-based): chr2:178,768,052, C>T on the plus strand (G>A on the coding strand, the complement: TTN is on the minus strand). VCF-style: chr2-178768052-C-T. GRCh37 (hg19) VCF-style: chr2-179632779-C-T.
Other names: c.9267G>A, p.Gln3089= (NM_001256850.1, NM_133379.5, NM_133378.4); c.9129G>A, p.Gln3043= (NM_003319.4, NM_133432.3, NM_133437.4).
Identifiers: ClinVar variation 332943 (VCV000332943.19), dbSNP rs764189986, ClinGen allele CA2004393.